The following is an entry in ClinVar:

NM_000834.5(GRIN2B):c.1666G>A (p.Ala556Thr)

Gene: GRIN2B (glutamate ionotropic receptor NMDA type subunit 2B; minus strand). Cytogenetic location: 12p13.1.
Variant type: single nucleotide variant.
Coding change: c.1666G>A on transcript NM_000834.5 (MANE Select); coding-DNA position 1666, G replaced by A.
Protein change: p.Ala556Thr; replaces alanine 556 with threonine.
Molecular consequence: missense variant.
Genome position (GRCh38, 1-based): chr12:13,611,839, C>T on the plus strand (G>A on the coding strand, the complement: GRIN2B is on the minus strand). VCF-style: chr12-13611839-C-T. GRCh37 (hg19) VCF-style: chr12-13764773-C-T.
Other names: c.1666G>A, p.Ala556Thr (NM_001413992.1); short protein forms A556T.
Identifiers: ClinVar variation 3282767 (VCV003282767.1).

ClinVar aggregate classification (germline): Uncertain significance (1 of 4 stars; one submission).

Conditions:
Inborn genetic diseases. Identifiers: MedGen C0950123, MeSH D030342.

gnomAD v4.1: 1 of 1,613,596 alleles (0.000062%); highest among the groups gnomAD compares: Non-Finnish European, 0.000085%; no homozygotes.

Submission:

Ambry Genetics
Classification: Uncertain significance for Inborn genetic diseases. Last evaluated: 2024-05-08. Review status: criteria provided, single submitter. Criteria: Ambry Variant Classification Scheme 2023. Collection method: clinical testing. Allele origin: germline.
Comment: The c.1666G>A (p.A556T) alteration is located in exon 8 (coding exon 7) of the GRIN2B gene. This alteration results from a G to A substitution at nucleotide position 1666, causing the alanine (A) at amino acid position 556 to be replaced by a threonine (T). This variant was not reported in population-based cohorts in the Genome Aggregation Database (gnomAD). This amino acid position is highly conserved in available vertebrate species. This missense alteration is located in a region that has a low rate of benign missense variation (Lek, 2016; Firth, 2009). The in silico prediction for this alteration is inconclusive. Based on insufficient or conflicting evidence, the clinical significance of this alteration remains unclear.